The following is an entry in ClinVar:

NM_001615.4(ACTG2):c.593G>A (p.Gly198Asp)

Gene: ACTG2 (actin gamma 2, smooth muscle; plus strand). Cytogenetic location: 2p13.1.
Variant type: single nucleotide variant.
Coding change: c.593G>A on transcript NM_001615.4 (MANE Select); coding-DNA position 593, G replaced by A.
Protein change: p.Gly198Asp; replaces glycine 198 with aspartic acid.
Molecular consequence: missense variant.
Genome position (GRCh38, 1-based): chr2:73,913,626, G>A. VCF-style: chr2-73913626-G-A. GRCh37 (hg19) VCF-style: chr2-74140753-G-A.
Other names: c.464G>A, p.Gly155Asp (NM_001199893.2); short protein forms G198D, G155D.
Identifiers: ClinVar variation 218312 (VCV000218312.3), dbSNP rs864309492, ClinGen allele CA339619.
Genomic context (GRCh38, chr2:73,913,626, plus strand): 5'-GCCTGGACTTGGCTGGCCGTGACCTCACGGACTACCTCATGAAGATCCTCACAGAGAGAG[G>A]CTATTCCTTTGTGACCACAGGTATCCAGCCCCTTTTCTGATTCTGACTGGAGCTCAGAAC-3'
Protein context (NP_001606.1, residues 188-208): DYLMKILTER[Gly198Asp]YSFVTTAERE

ClinVar aggregate classification (germline): Pathogenic. Review status: criteria provided, multiple submitters, no conflicts (2 of 4 stars). 2 submissions from 2 submitters: Pathogenic (2). Last evaluated 2017-02-17.

Conditions:
Visceral myopathy 1 (VSCM1). Also called: ACTG2 Visceral Myopathy; Visceral myopathy; Infantile visceral myopathy. Identifiers: Orphanet 2604, MedGen C5542197, MONDO:0020754, OMIM 155310.

Submissions (2):

Rady Children's Institute for Genomic Medicine, Rady Children's Hospital San Diego
Classification: Pathogenic for VISCERAL MYOPATHY. Last evaluated: 2017-02-17. Review status: criteria provided, single submitter. Criteria: ACMG Guidelines, 2015. Collection method: clinical testing. Allele origin: germline. Affected: yes. Observed: 1 variant allele.
Comment: The c.593G>A (p.Gly198Asp) variant is a missense variant in the ACTG2 gene. This variant has a previously reported in a patient with megacystis-microcolon-intestinal hypoperistalsis syndrome (PMID: 24676022). This variant is not seen in ExAC database thus it is presumed to be rare. This variant is predicted to be damaging based on in silico modeling. No functional studies exist for this particular variant. Based on the combined evidence and the variant being de novo in this patient, the variant is classified as pathogenic.

Lupski Lab, Baylor-Hopkins CMG, Baylor College of Medicine
Classification: Pathogenic for Visceral myopathy 1. Last evaluated: 2014-03-27. Review status: criteria provided, single submitter. Criteria: Wangler et al. PLoS Gen 2014. Collection method: research. Allele origin: de novo. Inheritance: Autosomal dominant inheritance. Affected: yes. Observed: 1 heterozygote. Study: MMIHS_WES. Segregation with disease not observed.